The following is an entry in ClinVar:

ClinVar aggregate classification (germline): not provided (0 of 4 stars; one submission).

Allele frequency attached by ClinVar (database versions not stated): gnomAD exomes below 0.00001; gnomAD 0.00001.
gnomAD v4.1: 6 of 1,507,418 alleles (0.0004%); highest among the groups gnomAD compares: East Asian, 0.014%; no homozygotes.

Submission:

Human Evolutionary Genetics, Institut Pasteur
No classification provided. Review status: no classification provided. Collection method: not provided. Allele origin: germline.
ClinVar note: Converted during submission from untested to not provided.

NM_033004.4(NLRP1):c.2870+58A>G

Gene: NLRP1 (NLR family pyrin domain containing 1; minus strand). Cytogenetic location: 17p13.2.
Variant type: single nucleotide variant.
Coding change: c.2870+58A>G on transcript NM_033004.4 (MANE Select); 58 bases into the intron after coding-DNA position 2870, A replaced by G.
Molecular consequence: intron variant.
Genome position (GRCh38, 1-based): chr17:5,539,357, T>C on the plus strand (A>G on the coding strand, the complement: NLRP1 is on the minus strand). VCF-style: chr17-5539357-T-C. GRCh37 (hg19) VCF-style: chr17-5442677-T-C.
Other names: c.2870+58A>G (NM_001033053.3, NM_033007.4, NM_033006.4 and 1 more transcripts).
Identifiers: ClinVar variation 103021 (VCV000103021.2), dbSNP rs199476212, ClinGen allele CA018477.